The following is an entry in ClinVar:

NM_000257.4(MYH7):c.2956G>T (p.Asp986Tyr)

Gene: MYH7 (myosin heavy chain 7; minus strand). Cytogenetic location: 14q11.2.
Variant type: single nucleotide variant.
Coding change: c.2956G>T on transcript NM_000257.4 (MANE Select); coding-DNA position 2956, G replaced by T.
Protein change: p.Asp986Tyr; replaces aspartic acid 986 with tyrosine.
Molecular consequence: missense variant.
Genome position (GRCh38, 1-based): chr14:23,423,690, C>A on the plus strand (G>T on the coding strand, the complement: MYH7 is on the minus strand). VCF-style: chr14-23423690-C-A. GRCh37 (hg19) VCF-style: chr14-23892899-C-A.
Other names: c.2956G>T, p.Asp986Tyr (NM_001407004.1); short protein forms D986Y.
Identifiers: ClinVar variation 4758683 (VCV004758683.1).

ClinVar aggregate classification (germline): Uncertain significance (1 of 4 stars; one submission).

Conditions:
Cardiomyopathy (CMYO). Also called: Cardiomyopathies. Identifiers: Orphanet 167848, MedGen C0878544, MONDO:0004994, HP:0001638. Inheritance: Various modes of inheritance.

Submission:

Color Diagnostics, LLC DBA Color Health
Classification: Uncertain significance for Cardiomyopathy. Last evaluated: 2025-05-25. Review status: criteria provided, single submitter. Criteria: ACMG Guidelines, 2015. Collection method: clinical testing. Allele origin: germline.
Comment: This missense variant replaces aspartic acid with tyrosine at codon 986 of the MYH7 protein. Computational prediction suggests that this variant may have deleterious impact on protein structure and function. To our knowledge, functional studies have not been reported for this variant. This variant has not been reported in individuals affected with MYH7-related disorders in the literature. This variant has not been identified in the general population by the Genome Aggregation Database (gnomAD). The available evidence is insufficient to determine the role of this variant in disease conclusively. Therefore, this variant is classified as a Variant of Uncertain Significance.